The following is an entry in ClinVar:

NM_080916.3(DGUOK):c.815C>A (p.Thr272Asn)

Genes: DGUOK (deoxyguanosine kinase; plus strand), DGUOK-AS1 (DGUOK antisense RNA 1; minus strand). Cytogenetic location: 2p13.1.
Variant type: single nucleotide variant.
Coding change: c.815C>A on transcript NM_080916.3 (MANE Select); coding-DNA position 815, C replaced by A.
Protein change: p.Thr272Asn; replaces threonine 272 with asparagine.
Molecular consequence: missense variant. On other transcripts: non-coding transcript variant (6).
Genome position (GRCh38, 1-based): chr2:73,958,717, C>A. VCF-style: chr2-73958717-C-A. GRCh37 (hg19) VCF-style: chr2-74185844-C-A.
Other names: p.T272N:ACC>AAC; c.533C>A, p.Thr178Asn (NM_001318859.2); c.524C>A, p.Thr175Asn (NM_001318860.2, NM_001318861.2); c.506C>A, p.Thr169Asn (NM_001318862.2, NM_001318863.2); c.551C>A, p.Thr184Asn (NM_080918.3); short protein forms T272N, T169N, T175N, T178N, T184N.
Identifiers: ClinVar variation 214280 (VCV000214280.1), dbSNP rs863223947, ClinGen allele CA319886.
Genomic context (GRCh38, chr2:73,958,717, plus strand): 5'-GAAAATTCTGTTAAAAATGTGAAATTAAACTTCTGATTTTCTCCTTCCCACAGGTAAACA[C>A]CTTTGTAAAGAATCTGTAACCAATACCATGAAGTTCAGGCTGTGATCTGGGCTCCCTGAC-3'
Protein context (NP_550438.1, residues 262-277): KQEDLMREVN[Thr272Asn]FVKNL

ClinVar aggregate classification (germline): Likely benign (1 of 4 stars; one submission).

Allele frequency attached by ClinVar (database versions not stated): gnomAD 0.00001; TOPMed 0.00001.
gnomAD v4.1: 11 of 1,611,870 alleles (0.00068%); highest among the groups gnomAD compares: Non-Finnish European, 0.00085%; no homozygotes.

Submission:

GeneDx
Classification: Likely benign. Last evaluated: 2013-11-02. Review status: criteria provided, single submitter. Criteria: GeneDx Variant Classification (06012015). Collection method: clinical testing. Allele origin: germline. Affected: yes.
Comment: This variant is considered likely benign or benign based on one or more of the following criteria: it is a conservative change, it occurs at a poorly conserved position in the protein, it is predicted to be benign by multiple in silico algorithms, and/or has population frequency not consistent with disease.